The following is an entry in ClinVar:

ClinVar aggregate classification (germline): Uncertain significance (1 of 4 stars; one submission).

Conditions:
Hereditary cancer-predisposing syndrome. Also called: Tumor predisposition; Hereditary Cancer Syndrome; Hereditary neoplastic syndrome; Neoplastic Syndromes, Hereditary. Identifiers: Orphanet 140162, MedGen C0027672, MeSH D009386, MONDO:0015356.

Submission:

Ambry Genetics
Classification: Uncertain significance for Hereditary cancer-predisposing syndrome. Last evaluated: 2024-06-23. Review status: criteria provided, single submitter. Criteria: Ambry Variant Classification Scheme 2023. Collection method: clinical testing. Allele origin: germline.
Comment: The p.D9N variant (also known as c.25G>A), located in coding exon 2 of the MRE11A gene, results from a G to A substitution at nucleotide position 25. The aspartic acid at codon 9 is replaced by asparagine, an amino acid with highly similar properties. This amino acid position is conserved. In addition, this alteration is predicted to be tolerated by in silico analysis. Based on the available evidence, the clinical significance of this variant remains unclear.

NM_005591.4(MRE11):c.25G>A (p.Asp9Asn)

Gene: MRE11 (MRE11 double strand break repair nuclease; minus strand). Cytogenetic location: 11q21.
Variant type: single nucleotide variant.
Coding change: c.25G>A on transcript NM_005591.4 (MANE Select); coding-DNA position 25, G replaced by A.
Protein change: p.Asp9Asn; replaces aspartic acid 9 with asparagine.
Molecular consequence: missense variant.
Genome position (GRCh38, 1-based): chr11:94,490,961, C>T on the plus strand (G>A on the coding strand, the complement: MRE11 is on the minus strand). VCF-style: chr11-94490961-C-T. GRCh37 (hg19) VCF-style: chr11-94224127-C-T.
Other names: c.25G>A, p.Asp9Asn (NM_001330347.2, NM_005590.4); short protein forms D9N.
Identifiers: ClinVar variation 3295799 (VCV003295799.1).